The following is an entry in ClinVar:

NM_017617.5(NOTCH1):c.2501C>T (p.Ala834Val)

Gene: NOTCH1 (notch receptor 1; minus strand). Cytogenetic location: 9q34.3.
Variant type: single nucleotide variant.
Coding change: c.2501C>T on transcript NM_017617.5 (MANE Select); coding-DNA position 2501, C replaced by T.
Protein change: p.Ala834Val; replaces alanine 834 with valine.
Molecular consequence: missense variant.
Genome position (GRCh38, 1-based): chr9:136,511,238, G>A on the plus strand (C>T on the coding strand, the complement: NOTCH1 is on the minus strand). VCF-style: chr9-136511238-G-A. GRCh37 (hg19) VCF-style: chr9-139405690-G-A.
Other names: c.2501C>T, p.Ala834Val (LRG_1122t1); c.2501C>T (NM_017617.4); short protein forms A834V.
Identifiers: ClinVar variation 477899 (VCV000477899.12), dbSNP rs202144877, ClinGen allele CA5341287.
Genomic context (GRCh38, chr9:136,511,238, plus strand): 5'-GAGAAGCTCTCATAGTCCTCGGATTGCCTGCACTCCCCGCCGTTTCTGCAGGGGCTGGGG[G>A]CACACGGGGCCAGCACCACCTCACACGTGGCACCTGCGGGAAGGAGACACACGTGACCCC-3'
Protein context (NP_060087.3, residues 824-844): ATCEVVLAPC[Ala834Val]PSPCRNGGEC

ClinVar aggregate classification (germline): Conflicting classifications of pathogenicity. Review status: criteria provided, conflicting classifications (1 of 4 stars). 3 submissions from 3 submitters: Uncertain significance (1); Likely benign (1). 1 of the submissions does not count toward it. Last evaluated 2022-12-14.

Conditions:
Familial thoracic aortic aneurysm and aortic dissection (TAAD). Also called: Thoracic aortic aneurysms and dissections. Identifiers: Orphanet 91387, MedGen C4707243, MONDO:0019625.
Adams-Oliver syndrome 5 (AOS5). Identifiers: Orphanet 974, MedGen C4014970, MONDO:0014459, OMIM 616028.
NOTCH1-related disorder. Also called: NOTCH1-related condition; NOTCH1-related disorders.

Allele frequency attached by ClinVar (database versions not stated): ExAC 0.00001; gnomAD 0.00001; TOPMed 0.00002; 1000 Genomes Project 0.00020; 1000 Genomes Project 30x 0.00031.

Submissions (3):

Ambry Genetics
Classification: Uncertain significance for Familial thoracic aortic aneurysm and aortic dissection. Last evaluated: 2022-12-14. Review status: criteria provided, single submitter. Criteria: Ambry Variant Classification Scheme 2023. Collection method: clinical testing. Allele origin: germline.
Comment: The p.A834V variant (also known as c.2501C>T), located in coding exon 16 of the NOTCH1 gene, results from a C to T substitution at nucleotide position 2501. The alanine at codon 834 is replaced by valine, an amino acid with similar properties. This amino acid position is well conserved in available vertebrate species. In addition, the in silico prediction for this alteration is inconclusive. Since supporting evidence is limited at this time, the clinical significance of this alteration remains unclear.

Labcorp Genetics (formerly Invitae), Labcorp
Classification: Likely benign for Adams-Oliver syndrome 5. Last evaluated: 2022-10-25. Review status: criteria provided, single submitter. Criteria: Invitae Variant Classification Sherloc (09022015). Collection method: clinical testing. Allele origin: germline.

PreventionGenetics, part of Exact Sciences
Classification: Uncertain significance for NOTCH1-related condition. Last evaluated: 2024-07-17. Review status: no assertion criteria provided. Collection method: clinical testing. Allele origin: germline. Not counted in ClinVar's aggregate classification.
Comment: The NOTCH1 c.2501C>T variant is predicted to result in the amino acid substitution p.Ala834Val. To our knowledge, this variant has not been reported in the literature. This variant is reported in 0.0066% of alleles in individuals of African descent in gnomAD. At this time, the clinical significance of this variant is uncertain due to the absence of conclusive functional and genetic evidence.